The following is an entry in ClinVar:

ClinVar aggregate classification (germline): Uncertain significance. Review status: criteria provided, multiple submitters, no conflicts (2 of 4 stars). 2 submissions from 2 submitters: Uncertain significance (2). Last evaluated 2025-01-18.

Conditions:
Infantile spasms. Also called: Infantile spasm. Identifiers: MedGen C3887898, HP:0012469.

Allele frequency attached by ClinVar (database versions not stated): gnomAD exomes below 0.00001; gnomAD 0.00001; TOPMed 0.00001; ExAC 0.00002.
gnomAD v4.1: 9 of 1,613,974 alleles (0.00056%); highest among the groups gnomAD compares: Non-Finnish European, 0.00068%; no homozygotes.

Submissions (2):

Ambry Genetics
Classification: Uncertain significance. Last evaluated: 2025-01-18. Review status: criteria provided, single submitter. Criteria: Ambry Variant Classification Scheme 2023. Collection method: clinical testing. Allele origin: germline.

Labcorp Genetics (formerly Invitae), Labcorp
Classification: Uncertain significance for Infantile spasms. Last evaluated: 2023-08-07. Review status: criteria provided, single submitter. Criteria: Invitae Variant Classification Sherloc (09022015). Collection method: clinical testing. Allele origin: germline.
Comment: This sequence change replaces leucine, which is neutral and non-polar, with phenylalanine, which is neutral and non-polar, at codon 253 of the PIK3AP1 protein (p.Leu253Phe). This variant is present in population databases (rs747023408, gnomAD 0.002%). This variant has not been reported in the literature in individuals affected with PIK3AP1-related conditions. An algorithm developed to predict the effect of missense changes on protein structure and function (PolyPhen-2) suggests that this variant is likely to be disruptive. In summary, the available evidence is currently insufficient to determine the role of this variant in disease. Therefore, it has been classified as a Variant of Uncertain Significance.

NM_152309.3(PIK3AP1):c.759A>C (p.Leu253Phe)

Gene: PIK3AP1 (phosphoinositide-3-kinase adaptor protein 1; minus strand). Cytogenetic location: 10q24.1.
Variant type: single nucleotide variant.
Coding change: c.759A>C on transcript NM_152309.3 (MANE Select); coding-DNA position 759, A replaced by C.
Protein change: p.Leu253Phe; replaces leucine 253 with phenylalanine.
Molecular consequence: missense variant.
Genome position (GRCh38, 1-based): chr10:96,651,605, T>G on the plus strand (A>C on the coding strand, the complement: PIK3AP1 is on the minus strand). VCF-style: chr10-96651605-T-G. GRCh37 (hg19) VCF-style: chr10-98411362-T-G.
Other names: c.759A>C (NM_152309.2); short protein forms L253F.
Identifiers: ClinVar variation 3016442 (VCV003016442.4), dbSNP rs747023408, ClinGen allele CA5626455.